The following is an entry in ClinVar:

NM_147127.5(EVC2):c.104C>G (p.Ser35Ter)

Gene: EVC2 (EvC ciliary complex subunit 2; minus strand). Cytogenetic location: 4p16.2.
Variant type: single nucleotide variant.
Coding change: c.104C>G on transcript NM_147127.5 (MANE Select); coding-DNA position 104, C replaced by G.
Protein change: p.Ser35Ter; replaces serine 35 with a stop codon.
Molecular consequence: nonsense. On other transcripts: intron variant (1).
Genome position (GRCh38, 1-based): chr4:5,708,410, G>C on the plus strand (C>G on the coding strand, the complement: EVC2 is on the minus strand). VCF-style: chr4-5708410-G-C. GRCh37 (hg19) VCF-style: chr4-5710137-G-C.
Other names: c.-13+419C>G (NM_001166136.2); short protein forms S35*.
Identifiers: ClinVar variation 1076027 (VCV001076027.8), dbSNP rs2151750076, ClinGen allele CA356155193.

ClinVar aggregate classification (germline): Pathogenic (1 of 4 stars; one submission).

Conditions:
Curry-Hall syndrome (WAD). Also called: WEYERS ACRODENTAL DYSOSTOSIS. Identifiers: Orphanet 952, MedGen C0457013, MONDO:0008673, OMIM 193530.
Ellis-van Creveld syndrome (EVC). Also called: Chondroectodermal dysplasia; MESOECTODERMAL DYSPLASIA; EVC-Related Ellis-van Creveld Syndrome; EVC2-Related Ellis-van Creveld Syndrome. Identifiers: Orphanet 289, MedGen C0013903, MONDO:0009162, OMIM 225500.

Submission:

Labcorp Genetics (formerly Invitae), Labcorp
Classification: Pathogenic for Curry-Hall syndrome; Ellis-van Creveld syndrome. Last evaluated: 2022-09-12. Review status: criteria provided, single submitter. Criteria: Invitae Variant Classification Sherloc (09022015). Collection method: clinical testing. Allele origin: germline.
Comment: For these reasons, this variant has been classified as Pathogenic. ClinVar contains an entry for this variant (Variation ID: 1076027). This variant has not been reported in the literature in individuals affected with EVC2-related conditions. This variant is not present in population databases (gnomAD no frequency). This sequence change creates a premature translational stop signal (p.Ser35*) in the EVC2 gene. It is expected to result in an absent or disrupted protein product. Loss-of-function variants in EVC2 are known to be pathogenic (PMID: 17024374, 19810119, 19876929).

Literature cited by the submitters: PubMed 17024374; PubMed 19810119; PubMed 19876929.